The following is an entry in ClinVar:

ClinVar aggregate classification (germline): Likely benign (0 of 4 stars; one submission).

Conditions:
UBR3-related disorder. Also called: UBR3-related condition.

Submission:

PreventionGenetics, part of Exact Sciences
Classification: Likely benign for UBR3-related condition. Last evaluated: 2019-03-28. Review status: no assertion criteria provided. Collection method: clinical testing. Allele origin: germline.
Comment: This variant is classified as likely benign based on ACMG/AMP sequence variant interpretation guidelines (Richards et al. 2015 PMID: 25741868, with internal and published modifications).

NM_172070.4(UBR3):c.4704C>T (p.Tyr1568=)

Gene: UBR3 (ubiquitin protein ligase E3 component n-recognin 3; plus strand). Cytogenetic location: 2q31.1.
Variant type: single nucleotide variant.
Coding change: c.4704C>T on transcript NM_172070.4 (MANE Select); coding-DNA position 4704, C replaced by T.
Protein change: p.Tyr1568=; no amino-acid change (tyrosine 1568 retained).
Molecular consequence: synonymous variant.
Genome position (GRCh38, 1-based): chr2:170,055,503, C>T. VCF-style: chr2-170055503-C-T. GRCh37 (hg19) VCF-style: chr2-170912013-C-T.
Identifiers: ClinVar variation 3058824 (VCV003058824.2), dbSNP rs2529266406, ClinGen allele CA429754014.